The following is an entry in ClinVar:

NM_001242896.3(DEPDC5):c.1557G>C (p.Gln519His)

Gene: DEPDC5 (DEP domain containing 5, GATOR1 subcomplex subunit; plus strand). Cytogenetic location: 22q12.3.
Variant type: single nucleotide variant.
Coding change: c.1557G>C on transcript NM_001242896.3 (MANE Select); coding-DNA position 1557, G replaced by C.
Protein change: p.Gln519His; replaces glutamine 519 with histidine.
Molecular consequence: missense variant. On other transcripts: non-coding transcript variant (5).
Genome position (GRCh38, 1-based): chr22:31,815,103, G>C. VCF-style: chr22-31815103-G-C. GRCh37 (hg19) VCF-style: chr22-32211089-G-C.
Other names: c.1557G>C, p.Gln519His (NM_001007188.4, NM_001136029.4, NM_001242897.2 and 7 more transcripts); c.1473G>C, p.Gln491His (NM_001369901.1, NM_001369902.1); short protein forms Q491H, Q519H.
Identifiers: ClinVar variation 1371444 (VCV001371444.6), dbSNP rs2148759335, ClinGen allele CA411278320.

ClinVar aggregate classification (germline): Uncertain significance (1 of 4 stars; one submission).

Conditions:
Familial focal epilepsy with variable foci (FPEVF). Identifiers: Orphanet 98820, MedGen C1858477, MONDO:0020310.

Submission:

Labcorp Genetics (formerly Invitae), Labcorp
Classification: Uncertain significance for Familial focal epilepsy with variable foci. Last evaluated: 2024-05-23. Review status: criteria provided, single submitter. Criteria: Invitae Variant Classification Sherloc (09022015). Collection method: clinical testing. Allele origin: germline.
Comment: This sequence change replaces glutamine, which is neutral and polar, with histidine, which is basic and polar, at codon 519 of the DEPDC5 protein (p.Gln519His). This variant is not present in population databases (gnomAD no frequency). This variant has not been reported in the literature in individuals affected with DEPDC5-related conditions. ClinVar contains an entry for this variant (Variation ID: 1371444). Experimental studies and prediction algorithms are not available or were not evaluated, and the functional significance of this variant is currently unknown. In summary, the available evidence is currently insufficient to determine the role of this variant in disease. Therefore, it has been classified as a Variant of Uncertain Significance.